The following is an entry in ClinVar:

ClinVar aggregate classification (germline): Pathogenic (1 of 4 stars; one submission).

Allele frequency attached by ClinVar (database versions not stated): gnomAD 0.00001; ExAC 0.00005.
gnomAD v4.1: 2 of 1,572,462 alleles (0.00013%); highest among the groups gnomAD compares: Non-Finnish European, 0.00017%; no homozygotes.

Submission:

Labcorp Genetics (formerly Invitae), Labcorp
Classification: Pathogenic. Last evaluated: 2022-12-16. Review status: criteria provided, single submitter. Criteria: Invitae Variant Classification Sherloc (09022015). Collection method: clinical testing. Allele origin: germline.
Comment: The frequency data for this variant in the population databases is considered unreliable, as metrics indicate poor data quality at this position in the gnomAD database. For these reasons, this variant has been classified as Pathogenic. This variant has not been reported in the literature in individuals affected with SLC26A4-related conditions. This sequence change creates a premature translational stop signal (p.Glu15*) in the SLC26A4 gene. It is expected to result in an absent or disrupted protein product. Loss-of-function variants in SLC26A4 are known to be pathogenic (PMID: 16283880, 25394566, 26252218, 26445815).

Literature cited by the submitters: PubMed 16283880; PubMed 25394566; PubMed 26252218; PubMed 26445815.

NM_000441.2(SLC26A4):c.43G>T (p.Glu15Ter)

Genes: SLC26A4 (solute carrier family 26 member 4; plus strand), SLC26A4-AS1 (SLC26A4 antisense RNA 1; minus strand). Cytogenetic location: 7q22.3.
Variant type: single nucleotide variant.
Coding change: c.43G>T on transcript NM_000441.2 (MANE Select); coding-DNA position 43, G replaced by T.
Protein change: p.Glu15Ter; replaces glutamic acid 15 with a stop codon.
Molecular consequence: nonsense. On other transcripts: non-coding transcript variant (1).
Genome position (GRCh38, 1-based): chr7:107,661,684, G>T. VCF-style: chr7-107661684-G-T. GRCh37 (hg19) VCF-style: chr7-107302129-G-T.
Other names: short protein forms E15*.
Identifiers: ClinVar variation 2880325 (VCV002880325.3), dbSNP rs780980532, ClinGen allele CA4432353.